The following is an entry in ClinVar:

ClinVar aggregate classification (germline): Likely benign (1 of 4 stars; one submission).

Allele frequency attached by ClinVar (database versions not stated): gnomAD 0.00001; gnomAD exomes 0.00001.
gnomAD v4.1: 5 of 398,808 alleles (0.0013%); highest among the groups gnomAD compares: East Asian, 0.0071%; no homozygotes.

Submission:

CeGaT Center for Human Genetics Tuebingen
Classification: Likely benign. Last evaluated: 2022-05-01. Review status: criteria provided, single submitter. Criteria: CeGaT Center For Human Genetics Tuebingen Variant Classification Criteria Version 2. Collection method: clinical testing. Allele origin: germline. Affected: yes. Observed: 1 variant allele.
Comment: CIC: BP4, BP7

NM_001386298.1(CIC):c.135C>T (p.Asp45=)

Gene: CIC (capicua transcriptional repressor; plus strand). Cytogenetic location: 19q13.2.
Variant type: single nucleotide variant.
Coding change: c.135C>T on transcript NM_001386298.1 (MANE Select); coding-DNA position 135, C replaced by T.
Protein change: p.Asp45=; no amino-acid change (aspartic acid 45 retained).
Molecular consequence: synonymous variant.
Genome position (GRCh38, 1-based): chr19:42,271,918, C>T. VCF-style: chr19-42271918-C-T. GRCh37 (hg19) VCF-style: chr19-42776070-C-T.
Other names: c.135C>T, p.Asp45= (NM_001304815.2, NM_001379480.1, NM_001379482.1 and 1 more transcripts).
Identifiers: ClinVar variation 2649942 (VCV002649942.24), dbSNP rs993784727, ClinGen allele CA308614331.
Genomic context (GRCh38, chr19:42,271,918, plus strand): 5'-GGCCAAGGCTCTGAGGCGGCGAGGGGCTGGGGAGGGTGACAAGCCAGAGGAGGAGGATGA[C>T]GAGGCACAGCAGCCGCAACCACAGTCCGGGCCCGAAGAGGCTGAGGAAGGGGAGGAGGAG-3'
Protein context (NP_001373227.1, residues 35-55): GEGDKPEEED[Asp45=]EAQQPQPQSG